The following is an entry in ClinVar:

ClinVar aggregate classification (germline): Likely pathogenic. Review status: criteria provided, multiple submitters, no conflicts (2 of 4 stars). 2 submissions from 2 submitters: Likely pathogenic (2). Last evaluated 2025-02-26.

Conditions:
Autoimmune lymphoproliferative syndrome type 1. Also called: AUTOIMMUNE LYMPHOPROLIFERATIVE SYNDROME, TYPE I, AUTOSOMAL DOMINANT. Identifiers: Orphanet 3261, MedGen C2717884, MONDO:0011158, OMIM 601859.

Allele frequency attached by ClinVar (database versions not stated): gnomAD exomes below 0.00001.
gnomAD v4.1: 1 of 1,613,922 alleles (0.000062%); highest among the groups gnomAD compares: Non-Finnish European, 0.000085%; no homozygotes.

Submissions (2):

Labcorp Genetics (formerly Invitae), Labcorp
Classification: Likely pathogenic for Autoimmune lymphoproliferative syndrome. Last evaluated: 2025-02-26. Review status: criteria provided, single submitter. Criteria: Invitae Variant Classification Sherloc (09022015). Collection method: clinical testing. Allele origin: germline.
Comment: This sequence change replaces isoleucine, which is neutral and non-polar, with threonine, which is neutral and polar, at codon 259 of the FAS protein (p.Ile259Thr). This variant is not present in population databases (gnomAD no frequency). This missense change has been observed in individual(s) with autoimmune lymphoproliferative syndrome (ALPS) (PMID: 12657942). This variant is also known as Ile243Thr. ClinVar contains an entry for this variant (Variation ID: 860668). Invitae Evidence Modeling of protein sequence and biophysical properties (such as structural, functional, and spatial information, amino acid conservation, physicochemical variation, residue mobility, and thermodynamic stability) indicates that this missense variant is expected to disrupt FAS protein function with a positive predictive value of 95%. This variant disrupts the p.Ile259 amino acid residue in FAS. Other variant(s) that disrupt this residue have been determined to be pathogenic (PMID: 10515860). This suggests that this residue is clinically significant, and that variants that disrupt this residue are likely to be disease-causing. In summary, the currently available evidence indicates that the variant is pathogenic, but additional data are needed to prove that conclusively. Therefore, this variant has been classified as Likely Pathogenic.

Kasturba Medical College, Manipal, Kasturba Medical College, Manipal, Manipal Academy of Higher Education, Manipal, India
Classification: Likely pathogenic for Autoimmune lymphoproliferative syndrome type 1. Review status: criteria provided, single submitter. Criteria: ACMG Guidelines, 2015. Collection method: clinical testing. Allele origin: maternal. Inheritance: Autosomal dominant inheritance. Affected: yes. Observed: 1 heterozygote.

Literature cited by the submitters: PubMed 12657942 (cited by Labcorp Genetics (formerly Invitae), Labcorp); PubMed 10515860 (cited by Labcorp Genetics (formerly Invitae), Labcorp).

NM_000043.6(FAS):c.776T>C (p.Ile259Thr)

Gene: FAS (Fas cell surface death receptor; plus strand). Cytogenetic location: 10q23.31.
Variant type: single nucleotide variant.
Coding change: c.776T>C on transcript NM_000043.6 (MANE Select); coding-DNA position 776, T replaced by C.
Protein change: p.Ile259Thr; replaces isoleucine 259 with threonine.
Molecular consequence: missense variant. On other transcripts: 3 prime UTR variant (2), non-coding transcript variant (7).
Genome position (GRCh38, 1-based): chr10:89,014,218, T>C. VCF-style: chr10-89014218-T-C. GRCh37 (hg19) VCF-style: chr10-90773975-T-C.
Other names: c.*99T>C (NM_001320619.2); c.713T>C, p.Ile238Thr (NM_152871.4); c.*88T>C (NM_152872.4); short protein forms I238T, I259T.
Identifiers: ClinVar variation 860668 (VCV000860668.10), dbSNP rs1848675068, ClinGen allele CA377509786.